The following is an entry in ClinVar:

ClinVar aggregate classification (germline): Uncertain significance (0 of 4 stars; one submission).

Conditions:
Prostate cancer. Also called: Malignant tumor of prostate. Identifiers: Orphanet 1331, MedGen C0376358, MONDO:0008315, HP:0012125.

Allele frequency attached by ClinVar (database versions not stated): gnomAD exomes 0.00006 and 0.00005; ExAC 0.00004; TOPMed 0.00006; gnomAD 0.00002 and 0.00003; ESP Exome Variant Server 0.00008.
gnomAD v4.1: 69 of 1,612,696 alleles (0.0043%); highest among the groups gnomAD compares: Middle Eastern, 0.016%; no homozygotes.

Submission:

Science for Life laboratory,  Karolinska Institutet
Classification: Uncertain significance for Malignant tumor of prostate. Review status: no assertion criteria provided. Collection method: not provided. Allele origin: somatic.
Comment: TumorID:SWE-16
ClinVar note: Converted during submission from Unknown to Uncertain significance.

NM_000845.3(GRM8):c.2554C>T (p.Arg852Cys)

Gene: GRM8 (glutamate metabotropic receptor 8; minus strand). Cytogenetic location: 7q31.33.
Variant type: single nucleotide variant.
Coding change: c.2554C>T on transcript NM_000845.3 (MANE Select); coding-DNA position 2554, C replaced by T.
Protein change: p.Arg852Cys; replaces arginine 852 with cysteine.
Molecular consequence: missense variant. On other transcripts: non-coding transcript variant (3).
Genome position (GRCh38, 1-based): chr7:126,446,249, G>A on the plus strand (C>T on the coding strand, the complement: GRM8 is on the minus strand). VCF-style: chr7-126446249-G-A. GRCh37 (hg19) VCF-style: chr7-126086303-G-A.
Other names: c.2554C>T, p.Arg852Cys (NM_001127323.1, NM_001371083.1, NM_001371084.1 and 2 more transcripts); c.1939C>T, p.Arg647Cys (NM_001371087.1); short protein forms R852C, R647C.
Identifiers: ClinVar variation 161472 (VCV000161472.2), dbSNP rs139289550, ClinGen allele CA174098.